The following is an entry in ClinVar:

NM_001267550.2(TTN):c.42891C>T (p.Gly14297=)

Gene: TTN (titin; minus strand). Cytogenetic location: 2q31.2.
Variant type: single nucleotide variant.
Coding change: c.42891C>T on transcript NM_001267550.2 (MANE Select); coding-DNA position 42891, C replaced by T.
Protein change: p.Gly14297=; no amino-acid change (glycine 14297 retained).
Molecular consequence: synonymous variant.
Genome position (GRCh38, 1-based): chr2:178,633,468, G>A on the plus strand (C>T on the coding strand, the complement: TTN is on the minus strand). VCF-style: chr2-178633468-G-A. GRCh37 (hg19) VCF-style: chr2-179498195-G-A.
Other names: c.15696C>T, p.Gly5232= (NM_003319.4); c.35187C>T, p.Gly11729= (NM_133378.4); c.37968C>T, p.Gly12656= (NM_001256850.1); c.16071C>T, p.Gly5357= (NM_133432.3); c.16272C>T, p.Gly5424= (NM_133437.4); c.42891C>T (NM_001267550.1).
Identifiers: ClinVar variation 179265 (VCV000179265.19), dbSNP rs550471556, ClinGen allele CA184077.
Genomic context (GRCh38, chr2:178,633,468, plus strand): 5'-CTCACCCTCAACAGTAACATTTGCCTTGGTCTTGTCTGTGCCACAGTCACACACATATTC[G>A]CCTTTATCTTTAAGGTCCGCCTTTTTGATTTTTAAGATGCGGCGCAGGCCATCTGCCTTG-3'
Protein context (NP_001254479.2, residues 14287-14307): KIKKADLKDK[Gly14297=]EYVCDCGTDK

ClinVar aggregate classification (germline): Conflicting classifications of pathogenicity. Review status: criteria provided, conflicting classifications (1 of 4 stars). 10 submissions from 6 submitters: Uncertain significance (7); Benign (2); Likely benign (1). Last evaluated 2026-08-06.

Conditions:
TTN-related disorder. Also called: TTN-related condition; TTN-related disease; TTN-related disorders.
Dilated cardiomyopathy 1G (CMD1G). Identifiers: Orphanet 154, MedGen C1858763, MONDO:0011400, OMIM 604145.
Autosomal recessive limb-girdle muscular dystrophy type 2J (LGMDR10). Also called: Limb-girdle muscular dystrophy, type 2J; MUSCULAR DYSTROPHY, LIMB-GIRDLE, AUTOSOMAL RECESSIVE 10. Identifiers: Orphanet 140922, MedGen C1837342, MONDO:0012127, OMIM 608807.
Cardiovascular phenotype. Identifiers: MedGen CN230736.
Early-onset myopathy with fatal cardiomyopathy (CMYO5). Also called: CONGENITAL MYOPATHY 5 WITH CARDIOMYOPATHY; Salih Myopathy. Identifiers: Orphanet 289377, MedGen C2673677, MONDO:0012714, OMIM 611705. Disease mechanism: loss of function.
Tibial muscular dystrophy (TMD). Also called: Udd Distal Myopathy – Tibial Muscular Dystrophy; UDD MYOPATHY; Tibial muscular dystrophy, tardive. Identifiers: Orphanet 609, MedGen C1838244, MONDO:0010870, OMIM 600334.
Myopathy, myofibrillar, 9, with early respiratory failure (MFM9). Also called: Hereditary myopathy with early respiratory failure; EDSTROM MYOPATHY; MYOPATHY, PROXIMAL, WITH EARLY RESPIRATORY MUSCLE INVOLVEMENT; Myopathy, distal, with early respiratory failure, autosomal dominant. Identifiers: Orphanet 178464, Orphanet 34521, MedGen C1863599, MONDO:0011362, OMIM 603689.

Allele frequency attached by ClinVar (database versions not stated): gnomAD exomes 0.00002; gnomAD 0.00014 and 0.00016; 1000 Genomes Project 30x 0.00016; 1000 Genomes Project 0.00020; TOPMed 0.00022; ExAC 0.00002.
gnomAD v4.1: 46 of 1,613,206 alleles (0.0029%); highest among the groups gnomAD compares: African/African-American, 0.048%; no homozygotes.

Submissions (10):

GeneDx
Classification: Uncertain significance. Last evaluated: 2026-08-06. Review status: criteria provided, single submitter. Criteria: GeneDx Variant Classification Process June 2021. Collection method: clinical testing. Allele origin: germline.
Comment: In silico analysis supports a deleterious effect on splicing; Has not been previously published as pathogenic or benign to our knowledge

PreventionGenetics, part of Exact Sciences
Classification: Uncertain significance for TTN-related condition. Last evaluated: 2026-06-16. Review status: criteria provided, single submitter. Criteria: ACMG Guidelines, 2015. Collection method: clinical testing. Allele origin: germline.
Comment: The TTN c.42891C>T variant is not predicted to result in an amino acid change (p.=). However, this variant is predicted to alter splicing based on available splicing prediction programs (SpliceAI, Jaganathan et al. 2019. PubMed ID: 30661751). To our knowledge, this variant has not been reported in the literature. This variant is reported in 0.037% of alleles in individuals of African descent in gnomAD. At this time, the clinical significance of this variant is uncertain due to the absence of conclusive functional and genetic evidence.

Ambry Genetics
Classification: Uncertain significance for Cardiovascular phenotype. Last evaluated: 2025-03-30. Review status: criteria provided, single submitter. Criteria: Ambry Variant Classification Scheme 2023. Collection method: clinical testing. Allele origin: germline.
Comment: The c.15696C>T variant (also known as p.G5232G), located in coding exon 59 of the TTN gene, results from a C to T substitution at nucleotide position 15696. This nucleotide substitution does not change the amino acid at codon 5232. This nucleotide position is not well conserved in available vertebrate species. In silico splice site analysis predicts that this alteration will result in the creation or strengthening of a novel splice donor site. Based on the available evidence, the clinical significance of this variant remains unclear.

Illumina Laboratory Services, Illumina
Classification: Benign for Tibial muscular dystrophy. Last evaluated: 2018-01-12. Review status: criteria provided, single submitter. Criteria: ICSL Variant Classification Criteria 13 December 2019. Collection method: clinical testing. Allele origin: germline.
Comment: This variant was observed in the ICSL laboratory as part of a predisposition screen in an ostensibly healthy population. It had not been previously curated by ICSL or reported in the Human Gene Mutation Database (HGMD: prior to June 1st, 2018), and was therefore a candidate for classification through an automated scoring system. Utilizing variant allele frequency, disease prevalence and penetrance estimates, and inheritance mode, an automated score was calculated to assess if this variant is too frequent to cause the disease. Based on the score and internal cut-off values, a variant classified as benign is not then subjected to further curation. The score for this variant resulted in a classification of benign for this disease.

Illumina Laboratory Services, Illumina
Classification: Uncertain significance for Autosomal recessive limb-girdle muscular dystrophy type 2J. Last evaluated: 2018-01-12. Review status: criteria provided, single submitter. Criteria: ICSL Variant Classification Criteria 13 December 2019. Collection method: clinical testing. Allele origin: germline.

Illumina Laboratory Services, Illumina
Classification: Uncertain significance for Dilated cardiomyopathy 1G. Last evaluated: 2018-01-12. Review status: criteria provided, single submitter. Criteria: ICSL Variant Classification Criteria 13 December 2019. Collection method: clinical testing. Allele origin: germline.

Illumina Laboratory Services, Illumina
Classification: Uncertain significance for Early-onset myopathy with fatal cardiomyopathy. Last evaluated: 2018-01-12. Review status: criteria provided, single submitter. Criteria: ICSL Variant Classification Criteria 13 December 2019. Collection method: clinical testing. Allele origin: germline.

Illumina Laboratory Services, Illumina
Classification: Benign for Myopathy, myofibrillar, 9, with early respiratory failure. Last evaluated: 2018-01-12. Review status: criteria provided, single submitter. Criteria: ICSL Variant Classification Criteria 13 December 2019. Collection method: clinical testing. Allele origin: germline.
Comment: the same text as in the submission from Illumina Laboratory Services, Illumina above.

Labcorp Genetics (formerly Invitae), Labcorp
Classification: Uncertain significance for Dilated cardiomyopathy 1G; Autosomal recessive limb-girdle muscular dystrophy type 2J. Last evaluated: 2017-06-12. Review status: criteria provided, single submitter. Criteria: Invitae Variant Classification Sherloc (09022015). Collection method: clinical testing. Allele origin: germline.

Laboratory for Molecular Medicine, Mass General Brigham Personalized Medicine
Classification: Likely benign. Last evaluated: 2013-08-29. Review status: criteria provided, single submitter. Criteria: LMM Criteria. Collection method: clinical testing. Allele origin: germline. Observed: 1 variant allele.
Comment: Gly11729Gly in exon 181 of TTN: This variant is not expected to have clinical si gnificance because it does not alter an amino acid residue and is not located wi thin the splice consensus sequence. Splicing computational tools predict the pos sible creation of a novel splice site, but their accuracy is unknown. Although a role in disease cannot be fully excluded, this variant is more likely benign.